The following is an entry in ClinVar:

ClinVar aggregate classification (germline): Uncertain significance (1 of 4 stars; one submission).

Conditions:
Renal carnitine transport defect (CDSP). Also called: Systemic primary carnitine deficiency disease; Primary carnitine deficiency; CARNITINE DEFICIENCY, SYSTEMIC, DUE TO DEFECT IN RENAL REABSORPTION OF CARNITINE; CARNITINE TRANSPORTER, PLASMA-MEMBRANE, DEFICIENCY OF; CARNITINE UPTAKE DEFECT; Carnitine Deficiency, Systemic. Identifiers: Orphanet 158, MedGen C0342788, MONDO:0008919, OMIM 212140.

Submission:

Labcorp Genetics (formerly Invitae), Labcorp
Classification: Uncertain significance for Renal carnitine transport defect. Last evaluated: 2021-11-02. Review status: criteria provided, single submitter. Criteria: Invitae Variant Classification Sherloc (09022015). Collection method: clinical testing. Allele origin: germline.
Comment: This sequence change replaces methionine, which is neutral and non-polar, with valine, which is neutral and non-polar, at codon 403 of the SLC22A5 protein (p.Met403Val). This variant is not present in population databases (gnomAD no frequency). This variant has not been reported in the literature in individuals affected with SLC22A5-related conditions. Advanced modeling of protein sequence and biophysical properties (such as structural, functional, and spatial information, amino acid conservation, physicochemical variation, residue mobility, and thermodynamic stability) performed at Invitae indicates that this missense variant is not expected to disrupt SLC22A5 protein function. In summary, the available evidence is currently insufficient to determine the role of this variant in disease. Therefore, it has been classified as a Variant of Uncertain Significance.

NM_003060.4(SLC22A5):c.1207A>G (p.Met403Val)

Gene: SLC22A5 (solute carrier family 22 member 5; plus strand). Cytogenetic location: 5q31.1.
Variant type: single nucleotide variant.
Coding change: c.1207A>G on transcript NM_003060.4 (MANE Select); coding-DNA position 1207, A replaced by G.
Protein change: p.Met403Val; replaces methionine 403 with valine.
Molecular consequence: missense variant.
Genome position (GRCh38, 1-based): chr5:132,390,844, A>G. VCF-style: chr5-132390844-A-G. GRCh37 (hg19) VCF-style: chr5-131726536-A-G.
Other names: c.1279A>G, p.Met427Val (NM_001308122.2); short protein forms M403V, M427V.
Identifiers: ClinVar variation 1390922 (VCV001390922.3), dbSNP rs2126789830, ClinGen allele CA360807745.